The following is an entry in ClinVar:

ClinVar aggregate classification (germline): Pathogenic (1 of 4 stars; one submission).

Submission:

Labcorp Genetics (formerly Invitae), Labcorp
Classification: Pathogenic. Last evaluated: 2021-04-09. Review status: criteria provided, single submitter. Criteria: Invitae Variant Classification Sherloc (09022015). Collection method: clinical testing. Allele origin: germline.
Comment: This variant is not present in population databases (ExAC no frequency). For these reasons, this variant has been classified as Pathogenic. This variant has not been reported in the literature in individuals with MYO7A-related conditions. ClinVar contains an entry for this variant (Variation ID: 854618). This sequence change creates a premature translational stop signal (p.Glu1941Glyfs*17) in the MYO7A gene. It is expected to result in an absent or disrupted protein product. Loss-of-function variants in MYO7A are known to be pathogenic (PMID: 8900236, 25404053).

Literature cited by the submitters: PubMed 8900236; PubMed 25404053.

NM_000260.4(MYO7A):c.5822_5823del (p.Glu1941fs)

Gene: MYO7A (myosin VIIA; plus strand). Cytogenetic location: 11q13.5.
Variant type: Microsatellite.
Coding change: c.5822_5823del on transcript NM_000260.4 (MANE Select); coding-DNA positions 5822 to 5823, 2 bases deleted (AG; older notation c.5822_5823delAG).
Protein change: p.Glu1941fs; shifts the reading frame from glutamic acid 1941.
Molecular consequence: frameshift variant.
Genome position (GRCh38, 1-based): chr11:77,207,368-77,207,369, AG deleted; deleting any 2 consecutive bases within chr11:77,207,366-77,207,369 gives the same sequence; the c. name uses the placement nearest the transcript's 3' end. VCF-style (leftmost placement, unchanged base first): chr11-77207365-CAG-C. GRCh37 (hg19) VCF-style: chr11-76918410-CAG-C.
Other names: c.5708_5709del, p.Glu1903fs (NM_001127180.2); c.5675_5676del, p.Glu1892fs (NM_001369365.1); short protein forms E1941fs, E1903fs, E1892fs.
Identifiers: ClinVar variation 854618 (VCV000854618.7), dbSNP rs1957517926, ClinGen allele CA916083267.